The following is an entry in ClinVar:

ClinVar aggregate classification (germline): Uncertain significance. Review status: criteria provided, multiple submitters, no conflicts (2 of 4 stars). 2 submissions from 2 submitters: Uncertain significance (2). Last evaluated 2025-01-08.

Conditions:
Familial cold autoinflammatory syndrome 3 (FCAS3). Also called: FAMILIAL ATYPICAL COLD URTICARIA; ANTIBODY DEFICIENCY AND IMMUNE DYSREGULATION, PLCG2-ASSOCIATED. Identifiers: Orphanet 300359, MedGen C3280914, MONDO:0013766, OMIM 614468.

Allele frequency attached by ClinVar (database versions not stated): TOPMed 0.00010; 1000 Genomes Project 30x 0.00016; ESP Exome Variant Server 0.00016; gnomAD 0.00016; 1000 Genomes Project 0.00020.
gnomAD v4.1: 311 of 1,613,966 alleles (0.019%); highest among the groups gnomAD compares: Non-Finnish European, 0.024%; no homozygotes.

Submissions (2):

Labcorp Genetics (formerly Invitae), Labcorp
Classification: Uncertain significance for Familial cold autoinflammatory syndrome 3. Last evaluated: 2025-01-08. Review status: criteria provided, single submitter. Criteria: Invitae Variant Classification Sherloc (09022015). Collection method: clinical testing. Allele origin: germline.
Comment: This sequence change replaces isoleucine, which is neutral and non-polar, with valine, which is neutral and non-polar, at codon 251 of the PLCG2 protein (p.Ile251Val). This variant is present in population databases (rs190840748, gnomAD 0.02%). This missense change has been observed in individual(s) with familial cold autoinflammatory syndrome 3 (PMID: 29590070). ClinVar contains an entry for this variant (Variation ID: 576679). An algorithm developed to predict the effect of missense changes on protein structure and function outputs the following: PolyPhen-2: "Benign". The valine amino acid residue is found in multiple mammalian species, which suggests that this missense change does not adversely affect protein function. In summary, the available evidence is currently insufficient to determine the role of this variant in disease. Therefore, it has been classified as a Variant of Uncertain Significance.

Center for Precision Medicine, Vanderbilt University Medical Center
Classification: Uncertain significance for Familial cold autoinflammatory syndrome 3. Last evaluated: 2018-03-16. Review status: criteria provided, single submitter. Criteria: ACMG Guidelines, 2015. Collection method: research. Allele origin: germline. Inheritance: Autosomal dominant inheritance. Observed: 10 variant alleles, 10 heterozygotes. Clinical features observed: hypothyroidism, urticaria, allergic rhinitis, asthma.

Literature cited by the submitters: PubMed 29590070 (cited by Labcorp Genetics (formerly Invitae), Labcorp).

NM_002661.5(PLCG2):c.751A>G (p.Ile251Val)

Gene: PLCG2 (phospholipase C gamma 2; plus strand). Cytogenetic location: 16q23.3.
Variant type: single nucleotide variant.
Coding change: c.751A>G on transcript NM_002661.5 (MANE Select); coding-DNA position 751, A replaced by G.
Protein change: p.Ile251Val; replaces isoleucine 251 with valine.
Molecular consequence: missense variant.
Genome position (GRCh38, 1-based): chr16:81,883,327, A>G. VCF-style: chr16-81883327-A-G. GRCh37 (hg19) VCF-style: chr16-81916932-A-G.
Other names: short protein forms I251V.
Identifiers: ClinVar variation 576679 (VCV000576679.9), dbSNP rs190840748, ClinGen allele CA8193411.
Genomic context (GRCh38, chr16:81,883,327, plus strand): 5'-AGGAACACTGACAGGCCGGATGCCTCTGCTGTTTACCTGCATGACTTCCAGAGGTTTCTC[A>G]TACATGAACAGCAGGTGAGAGCACAAGGTGTGTGGGTGCCTGAGGGAGCTGGCGGGATGC-3'
Protein context (NP_002652.2, residues 241-261): VYLHDFQRFL[Ile251Val]HEQQEHWAQD